The following is an entry in ClinVar:

Conditions:
Long QT syndrome 5 (LQT5). Identifiers: Orphanet 101016, Orphanet 768, MedGen C1867904, MONDO:0013372, OMIM 613695.

Submission:

Roden Lab, Vanderbilt University Medical Center
No classification provided (evidence only). Condition: Long QT syndrome 5. Review status: no classification provided. Collection method: in vitro. Allele origin: not applicable. Functional consequence: Effect on ion channel function.
ClinVar note: "not provided" was previously submitted as the classification for the variant. However, the classification appeared to be based only on an observation of functional data so it was converted to no classification on 2025-07-30.

NM_000219.6(KCNE1):c.231A>G (p.Pro77=)

Gene: KCNE1 (potassium voltage-gated channel subfamily E regulatory subunit 1; minus strand). Cytogenetic location: 21q22.12.
Variant type: single nucleotide variant.
Coding change: c.231A>G on transcript NM_000219.6 (MANE Select); coding-DNA position 231, A replaced by G.
Protein change: p.Pro77=; no amino-acid change (proline 77 retained).
Molecular consequence: synonymous variant.
Genome position (GRCh38, 1-based): chr21:34,449,404, T>C on the plus strand (A>G on the coding strand, the complement: KCNE1 is on the minus strand). VCF-style: chr21-34449404-T-C. GRCh37 (hg19) VCF-style: chr21-35821702-T-C.
Other names: c.231A>G, p.Pro77= (NM_001127668.4, NM_001127669.4, NM_001127670.4 and 4 more transcripts).
Identifiers: ClinVar variation 3374388 (VCV003374388.2).